The following is an entry in ClinVar:

NM_003361.4(UMOD):c.758G>A (p.Gly253Asp)

Gene: UMOD (uromodulin; minus strand). Cytogenetic location: 16p12.3.
Variant type: single nucleotide variant.
Coding change: c.758G>A on transcript NM_003361.4 (MANE Select); coding-DNA position 758, G replaced by A.
Protein change: p.Gly253Asp; replaces glycine 253 with aspartic acid.
Molecular consequence: missense variant. On other transcripts: non-coding transcript variant (1).
Genome position (GRCh38, 1-based): chr16:20,348,543, C>T on the plus strand (G>A on the coding strand, the complement: UMOD is on the minus strand). VCF-style: chr16-20348543-C-T. GRCh37 (hg19) VCF-style: chr16-20359865-C-T.
Other names: c.758G>A, p.Gly253Asp (NM_001008389.3, NM_001378232.1, NM_001378233.1 and 3 more transcripts); c.857G>A, p.Gly286Asp (NM_001278614.2); short protein forms G253D, G286D.
Identifiers: ClinVar variation 1049631 (VCV001049631.5), dbSNP rs760253448, ClinGen allele CA7939411.
Genomic context (GRCh38, chr16:20,348,543, plus strand): 5'-ACGTAGTAGCCGCCGGCACAGGCCTTCACCTGGACGGACGCATCCCACAGGCAGCAGTGG[C>T]CGCTCCAGTGCGCGCAGGCCTTGCGGCTCACGATGCCCTCGTCGCTGGACGGATGCGTGC-3'
Protein context (NP_003352.2, residues 243-263): VSRKACAHWS[Gly253Asp]HCCLWDASVQ

ClinVar aggregate classification (germline): Conflicting classifications of pathogenicity. Review status: criteria provided, conflicting classifications (1 of 4 stars). 3 submissions from 3 submitters: Uncertain significance (1); Likely benign (1). 1 of the submissions does not count toward it. Last evaluated 2023-10-04.

Conditions:
Familial juvenile hyperuricemic nephropathy type 1 (ADTKD1). Also called: Glomerulocystic kidney disease with hyperuricemia and isosthenuria; Medullary cystic kidney disease 2; Autosomal Dominant Tubulointerstitial Kidney Disease – UMOD; UMOD-Associated Kidney Disease; Uromodulin-associated kidney disease. Identifiers: Orphanet 209886, Orphanet 34149, Orphanet 88950, MedGen C4551496, MONDO:0008073, OMIM 162000.

Allele frequency attached by ClinVar (database versions not stated): ExAC 0.00001; gnomAD 0.00002; gnomAD exomes 0.00002 and 0.00006; TOPMed 0.00003.
gnomAD v4.1: 26 of 1,601,940 alleles (0.0016%); highest among the groups gnomAD compares: Admixed American, 0.025%; no homozygotes.

Submissions (3):

Labcorp Genetics (formerly Invitae), Labcorp
Classification: Likely benign. Last evaluated: 2023-10-04. Review status: criteria provided, single submitter. Criteria: Invitae Variant Classification Sherloc (09022015). Collection method: clinical testing. Allele origin: germline.

Fulgent Genetics
Classification: Uncertain significance for Familial juvenile hyperuricemic nephropathy type 1. Last evaluated: 2021-11-15. Review status: criteria provided, single submitter. Criteria: ACMG Guidelines, 2015. Collection method: clinical testing. Allele origin: unknown.

Department of Pathology and Laboratory Medicine, Sinai Health System
Classification: Uncertain significance. Review status: no assertion criteria provided. Collection method: clinical testing. Allele origin: unknown. Affected: yes. Study: The Canadian Open Genetics Repository (COGR). Not counted in ClinVar's aggregate classification.
Comment: The UMOD p.Gly253Asp variant was not identified in the literature nor was it identified in ClinVar or LOVD 3.0. The variant was identified in dbSNP (ID: rs760253448) and in control databases in 15 of 258220 chromosomes at a frequency of 0.00005809 (Genome Aggregation Database March 6, 2019, v2.1.1). The variant was observed in the Latino population in 15 of 33888 chromosomes (freq: 0.000443), but was not observed in the African, Ashkenazi Jewish, East Asian, European (Finnish), European (non-Finnish), Other, or South Asian populations. The p.Gly253 residue is not conserved in mammals and computational analyses (PolyPhen-2, SIFT, AlignGVGD, BLOSUM, MutationTaster) do not suggest a high likelihood of impact to the protein; however, this information is not predictive enough to rule out pathogenicity. The variant occurs outside of the splicing consensus sequence and in silico or computational prediction software programs (SpliceSiteFinder, MaxEntScan, NNSPLICE, GeneSplicer) do not predict a difference in splicing. In summary, based on the above information the clinical significance of this variant cannot be determined with certainty at this time. This variant is classified as a variant of uncertain significance.